The following is an entry in ClinVar:

NM_000760.4(CSF3R):c.1125G>T (p.Trp375Cys)

Gene: CSF3R (colony stimulating factor 3 receptor; minus strand). Cytogenetic location: 1p34.3.
Variant type: single nucleotide variant.
Coding change: c.1125G>T on transcript NM_000760.4 (MANE Select); coding-DNA position 1125, G replaced by T.
Protein change: p.Trp375Cys; replaces tryptophan 375 with cysteine.
Molecular consequence: missense variant.
Genome position (GRCh38, 1-based): chr1:36,471,593, C>A on the plus strand (G>T on the coding strand, the complement: CSF3R is on the minus strand). VCF-style: chr1-36471593-C-A. GRCh37 (hg19) VCF-style: chr1-36937194-C-A.
Other names: c.1125G>T, p.Trp375Cys (NM_156039.3, NM_172313.3); short protein forms W375C.
Identifiers: ClinVar variation 1695735 (VCV001695735.2), dbSNP rs2124119110, ClinGen allele CA339421928.

ClinVar aggregate classification (germline): Uncertain significance (1 of 4 stars; one submission).

Submission:

GeneDx
Classification: Uncertain significance. Last evaluated: 2022-12-19. Review status: criteria provided, single submitter. Criteria: GeneDx Variant Classification Process June 2021. Collection method: clinical testing. Allele origin: germline. Affected: yes.
Comment: Not observed at significant frequency in large population cohorts (gnomAD); In silico analysis supports that this missense variant has a deleterious effect on protein structure/function; Has not been previously published as pathogenic or benign to our knowledge; In silico analysis suggests this variant may impact gene splicing. In the absence of RNA/functional studies, the actual effect of this sequence change is unknown.